The following is an entry in ClinVar:

NM_030662.4(MAP2K2):c.1020C>T (p.Pro340=)

Gene: MAP2K2 (mitogen-activated protein kinase kinase 2; minus strand). Cytogenetic location: 19p13.3.
Variant type: single nucleotide variant.
Coding change: c.1020C>T on transcript NM_030662.4 (MANE Select); coding-DNA position 1020, C replaced by T.
Protein change: p.Pro340=; no amino-acid change (proline 340 retained).
Molecular consequence: synonymous variant.
Genome position (GRCh38, 1-based): chr19:4,095,414, G>A on the plus strand (C>T on the coding strand, the complement: MAP2K2 is on the minus strand). VCF-style: chr19-4095414-G-A. GRCh37 (hg19) VCF-style: chr19-4095412-G-A.
Other names: NM_030662.3(MAP2K2):c.1020C>T.
Identifiers: ClinVar variation 46226 (VCV000046226.47), dbSNP rs192389729, ClinGen allele CA137906.

ClinVar aggregate classification (germline): Benign. Review status: reviewed by expert panel (3 of 4 stars). 9 submissions from 9 submitters: Benign (1). 8 of the submissions do not count toward it. Last evaluated 2017-05-09.

Conditions:
MAP2K2-related disorder. Also called: MAP2K2-related condition.
Noonan syndrome and Noonan-related syndrome. Identifiers: Orphanet 98733, MedGen C5681679, MONDO:0020297.
Cardiovascular phenotype. Identifiers: MedGen CN230736.
RASopathy. Also called: rasopathies; Noonan spectrum disorder. Identifiers: Orphanet 536391, MedGen C5555857, MONDO:0021060.

Allele frequency attached by ClinVar (database versions not stated): gnomAD 0.00009 and 0.00021; TOPMed 0.00025; gnomAD exomes 0.00063; 1000 Genomes Project 30x 0.00094; 1000 Genomes Project 0.00100; ExAC 0.00149.
gnomAD v4.1: 402 of 1,551,270 alleles (0.026%); highest among the groups gnomAD compares: South Asian, 0.37%; 5 homozygotes.

Submissions (9):

ClinGen RASopathy Variant Curation Expert Panel
Classification: Benign for Noonan syndrome and Noonan-related syndrome. Last evaluated: 2017-05-09. Review status: reviewed by expert panel. Criteria: ClinGen RASopathy ACMG Specifications v1. Collection method: curation. Allele origin: germline. Inheritance: Autosomal dominant inheritance.
Comment: The filtering allele frequency of the c.1020C>T (p.Pro340=) variant in the MAP2K2 gene is 0.262% (29/7910) of South Asian chromosomes by the Exome Aggregation Consortium, which is a high enough frequency to be classified as benign based on thresholds defined by the ClinGen RASopathy Expert Panel (BA1; PMID:29493581)

Labcorp Genetics (formerly Invitae), Labcorp
Classification: Benign for RASopathy. Last evaluated: 2026-01-06. Review status: criteria provided, single submitter. Criteria: Invitae Variant Classification Sherloc (09022015). Collection method: clinical testing. Allele origin: germline. Not counted in ClinVar's aggregate classification.

Blueprint Genetics
Classification: Likely benign. Last evaluated: 2024-11-18. Review status: criteria provided, single submitter. Criteria: ACMG Guidelines, 2015. Collection method: clinical testing. Allele origin: germline. Not counted in ClinVar's aggregate classification.

CeGaT Center for Human Genetics Tuebingen
Classification: Likely benign. Last evaluated: 2023-02-01. Review status: criteria provided, single submitter. Criteria: CeGaT Center For Human Genetics Tuebingen Variant Classification Criteria Version 2. Collection method: clinical testing. Allele origin: germline. Affected: yes. Observed: 1 variant allele. Not counted in ClinVar's aggregate classification.
Comment: MAP2K2: BP4, BP7, BS1

Ambry Genetics
Classification: Likely benign for Cardiovascular phenotype. Last evaluated: 2022-04-03. Review status: criteria provided, single submitter. Criteria: Ambry Variant Classification Scheme 2023. Collection method: clinical testing. Allele origin: germline. Not counted in ClinVar's aggregate classification.

Genome Diagnostics Laboratory, The Hospital for Sick Children
Classification: Benign for Noonan syndrome and Noonan-related syndrome. Last evaluated: 2021-04-06. Review status: criteria provided, single submitter. Criteria: ACMG Guidelines, 2015. Collection method: clinical testing. Allele origin: germline. Not counted in ClinVar's aggregate classification.

Laboratory for Molecular Medicine, Mass General Brigham Personalized Medicine
Classification: Benign. Last evaluated: 2011-02-18. Review status: criteria provided, single submitter. Criteria: LMM Criteria. Collection method: clinical testing. Allele origin: germline. Observed: 3 variant alleles. Not counted in ClinVar's aggregate classification.
Comment: This variant is not expected to have clinical significance because it does not a lter an amino acid residue and is not located near a splice junction.

Breakthrough Genomics
Classification: Benign. Review status: criteria provided, single submitter. Criteria: ACMG Guidelines, 2015. Collection method: not provided. Allele origin: germline. Inheritance: Autosomal dominant inheritance. Affected: yes. Not counted in ClinVar's aggregate classification.

PreventionGenetics, part of Exact Sciences
Classification: Benign for MAP2K2-related condition. Last evaluated: 2020-04-27. Review status: no assertion criteria provided. Collection method: clinical testing. Allele origin: germline. Not counted in ClinVar's aggregate classification.
Comment: This variant is classified as benign based on ACMG/AMP sequence variant interpretation guidelines (Richards et al. 2015 PMID: 25741868, with internal and published modifications).